The following is an entry in ClinVar:

NM_001365536.1(SCN9A):c.3295G>A (p.Glu1099Lys)

Genes: SCN1A-AS1 (SCN1A and SCN9A antisense RNA 1; plus strand), SCN9A (sodium voltage-gated channel alpha subunit 9; minus strand). Cytogenetic location: 2q24.3.
Variant type: single nucleotide variant.
Coding change: c.3295G>A on transcript NM_001365536.1 (MANE Select); coding-DNA position 3295, G replaced by A.
Protein change: p.Glu1099Lys; replaces glutamic acid 1099 with lysine.
Molecular consequence: missense variant.
Genome position (GRCh38, 1-based): chr2:166,272,455, C>T on the plus strand (G>A on the coding strand, the complement: SCN9A is on the minus strand). VCF-style: chr2-166272455-C-T. GRCh37 (hg19) VCF-style: chr2-167128965-C-T.
Other names: c.3262G>A, p.Glu1088Lys (NM_002977.4); short protein forms E1099K, E1088K.
Identifiers: ClinVar variation 2933964 (VCV002933964.3), dbSNP rs1553486603, ClinGen allele CA349072660.

ClinVar aggregate classification (germline): Uncertain significance (1 of 4 stars; one submission).

Conditions:
Neuropathy, hereditary sensory and autonomic, type 2A (HSAN2A). Also called: MORVAN DISEASE; NEUROPATHY, CONGENITAL SENSORY; NEUROPATHY, HEREDITARY SENSORY RADICULAR, AUTOSOMAL RECESSIVE; NEUROPATHY, HEREDITARY SENSORY, TYPE IIA; NEUROPATHY, PROGRESSIVE SENSORY, OF CHILDREN; ACROOSTEOLYSIS, GIACCAI TYPE. Identifiers: Orphanet 970, MedGen C2752089, MONDO:0024309, OMIM 201300.
Generalized epilepsy with febrile seizures plus, type 7 (GEFSP7). Also called: GEFS+, TYPE 7. Identifiers: Orphanet 36387, MedGen C2751778, MONDO:0013470, OMIM 613863.

Allele frequency attached by ClinVar (database versions not stated): gnomAD exomes below 0.00001.
gnomAD v4.1: 2 of 1,611,094 alleles (0.00012%); highest among the groups gnomAD compares: Non-Finnish European, 0.00017%; no homozygotes.

Submission:

Labcorp Genetics (formerly Invitae), Labcorp
Classification: Uncertain significance for Neuropathy, hereditary sensory and autonomic, type 2A; Generalized epilepsy with febrile seizures plus, type 7. Last evaluated: 2023-03-08. Review status: criteria provided, single submitter. Criteria: Invitae Variant Classification Sherloc (09022015). Collection method: clinical testing. Allele origin: germline.
Comment: This sequence change replaces glutamic acid, which is acidic and polar, with lysine, which is basic and polar, at codon 1088 of the SCN9A protein (p.Glu1088Lys). This variant is not present in population databases (gnomAD no frequency). This variant has not been reported in the literature in individuals affected with SCN9A-related conditions. Advanced modeling of protein sequence and biophysical properties (such as structural, functional, and spatial information, amino acid conservation, physicochemical variation, residue mobility, and thermodynamic stability) performed at Invitae indicates that this missense variant is not expected to disrupt SCN9A protein function. In summary, the available evidence is currently insufficient to determine the role of this variant in disease. Therefore, it has been classified as a Variant of Uncertain Significance.